The following is an entry in ClinVar:

NM_000268.4(NF2):c.1256C>A (p.Thr419Lys)

Gene: NF2 (NF2, moesin-ezrin-radixin like (MERLIN) tumor suppressor; plus strand). Cytogenetic location: 22q12.2.
Variant type: single nucleotide variant.
Coding change: c.1256C>A on transcript NM_000268.4 (MANE Select); coding-DNA position 1256, C replaced by A.
Protein change: p.Thr419Lys; replaces threonine 419 with lysine.
Molecular consequence: missense variant. On other transcripts: intron variant (1).
Genome position (GRCh38, 1-based): chr22:29,673,402, C>A. VCF-style: chr22-29673402-C-A. GRCh37 (hg19) VCF-style: chr22-30069391-C-A.
Other names: c.1142C>A, p.Thr381Lys (NM_001407053.1, NM_001407056.1); c.1133C>A, p.Thr378Lys (NM_001407054.1, NM_181829.3, NM_001407058.1); c.1130C>A, p.Thr377Lys (NM_001407055.1, NM_181828.3); c.1256C>A, p.Thr419Lys (NM_016418.5, NM_181825.3, NM_181832.3 and 2 more transcripts); c.1007C>A, p.Thr336Lys (NM_181830.3, NM_181831.3, NM_001407063.1 and 1 more transcripts); c.448-21350C>A (NM_181833.3); c.1121C>A, p.Thr374Lys (NM_001407057.1, NM_001407059.1); c.998C>A, p.Thr333Lys (NM_001407062.1); and 2 more; short protein forms T336K, T342K, T241K, T333K, T378K, T381K, T419K, T374K.
Identifiers: ClinVar variation 2712246 (VCV002712246.3), dbSNP rs1216540232, ClinGen allele CA411148337.
Genomic context (GRCh38, chr22:29,673,402, plus strand): 5'-CCCAGAAGGCCGCAGAGGCTGAGCAGGAAATGCAGCGCATCAAGGCCACAGCGATTCGCA[C>A]GGAGGAGGAGAAGCGCCTGATGGAGCAGAAGGTGCTGGAAGCCGAGGTGCTGGCACTGAA-3'
Protein context (NP_000259.1, residues 409-429): MQRIKATAIR[Thr419Lys]EEEKRLMEQK

ClinVar aggregate classification (germline): Uncertain significance (1 of 4 stars; one submission).

Conditions:
Neurofibromatosis, type 2 (SWNV). Also called: BILATERAL ACOUSTIC NEUROFIBROMATOSIS; SCHWANNOMATOSIS, VESTIBULAR; NF2-Related Schwannomatosis. Identifiers: Orphanet 637, MedGen C0027832, MONDO:0007039, OMIM 101000. Disease mechanism: loss of function.

gnomAD v4.1: 1 of 1,612,358 alleles (0.000062%); highest among the groups gnomAD compares: Admixed American, 0.0017%; no homozygotes.

Submission:

Labcorp Genetics (formerly Invitae), Labcorp
Classification: Uncertain significance for Neurofibromatosis, type 2. Last evaluated: 2023-10-20. Review status: criteria provided, single submitter. Criteria: Invitae Variant Classification Sherloc (09022015). Collection method: clinical testing. Allele origin: germline.
Comment: This sequence change replaces threonine, which is neutral and polar, with lysine, which is basic and polar, at codon 419 of the NF2 protein (p.Thr419Lys). The frequency data for this variant in the population databases is considered unreliable, as metrics indicate poor data quality at this position in the gnomAD database. This variant has not been reported in the literature in individuals affected with NF2-related conditions. Advanced modeling of protein sequence and biophysical properties (such as structural, functional, and spatial information, amino acid conservation, physicochemical variation, residue mobility, and thermodynamic stability) performed at Invitae indicates that this missense variant is not expected to disrupt NF2 protein function. In summary, the available evidence is currently insufficient to determine the role of this variant in disease. Therefore, it has been classified as a Variant of Uncertain Significance.